The following is an entry in ClinVar:

NM_020320.5(RARS2):c.103del (p.Gln35fs)

Gene: RARS2 (arginyl-tRNA synthetase 2, mitochondrial; minus strand). Cytogenetic location: 6q15.
Variant type: Deletion.
Coding change: c.103del on transcript NM_020320.5 (MANE Select); coding-DNA position 103, one base deleted (C; older notation c.103delC).
Protein change: p.Gln35fs; shifts the reading frame from glutamine 35.
Molecular consequence: frameshift variant. On other transcripts: non-coding transcript variant (21), intron variant (1), 5 prime UTR variant (6).
Genome position (GRCh38, 1-based): chr6:87,569,524, G deleted on the plus strand (C on the coding strand, the reverse complement: RARS2 is on the minus strand); the first of 3 consecutive G bases (chr6:87,569,524-87,569,526); deleting any one gives the same sequence. VCF-style (leftmost placement, unchanged base first): chr6-87569523-TG-T. GRCh37 (hg19) VCF-style: chr6-88279241-TG-T.
Other names: c.-359-5292del (NM_001350509.2); c.-367del (NM_001318785.2); c.103del, p.Gln35fs (NM_001350505.2); c.-423del (NM_001350506.2, NM_001350507.2, NM_001350510.2); c.-585del (NM_001350508.2); c.-542del (NM_001350511.2); short protein forms Q35fs.
Identifiers: ClinVar variation 2709018 (VCV002709018.3), dbSNP rs1768955731, ClinGen allele CA1644599481.

ClinVar aggregate classification (germline): Pathogenic (1 of 4 stars; one submission).

Submission:

Labcorp Genetics (formerly Invitae), Labcorp
Classification: Pathogenic. Last evaluated: 2024-01-11. Review status: criteria provided, single submitter. Criteria: Invitae Variant Classification Sherloc (09022015). Collection method: clinical testing. Allele origin: germline.
Comment: This sequence change creates a premature translational stop signal (p.Gln35Lysfs*5) in the RARS2 gene. It is expected to result in an absent or disrupted protein product. Loss-of-function variants in RARS2 are known to be pathogenic (PMID: 17847012, 22569581, 26083569). This variant is not present in population databases (gnomAD no frequency). This variant has not been reported in the literature in individuals affected with RARS2-related conditions. For these reasons, this variant has been classified as Pathogenic.

Literature cited by the submitters: PubMed 17847012; PubMed 22569581; PubMed 26083569.